The following is an entry in ClinVar:

NM_032043.3(BRIP1):c.2899G>A (p.Glu967Lys)

Gene: BRIP1 (BRCA1 interacting DNA helicase 1; minus strand). Cytogenetic location: 17q23.2.
Variant type: single nucleotide variant.
Coding change: c.2899G>A on transcript NM_032043.3 (MANE Select); coding-DNA position 2899, G replaced by A.
Protein change: p.Glu967Lys; replaces glutamic acid 967 with lysine.
Molecular consequence: missense variant.
Genome position (GRCh38, 1-based): chr17:61,685,842, C>T on the plus strand (G>A on the coding strand, the complement: BRIP1 is on the minus strand). VCF-style: chr17-61685842-C-T. GRCh37 (hg19) VCF-style: chr17-59763203-C-T.
Other names: short protein forms E967K.
Identifiers: ClinVar variation 530287 (VCV000530287.21), dbSNP rs1305928655, ClinGen allele CA400481120.

ClinVar aggregate classification (germline): Uncertain significance. Review status: criteria provided, multiple submitters, no conflicts (2 of 4 stars). 4 submissions from 4 submitters: Uncertain significance (4). Last evaluated 2025-09-20.

Conditions:
Hereditary cancer-predisposing syndrome. Also called: Neoplastic Syndromes, Hereditary; Hereditary neoplastic syndrome; Tumor predisposition; Hereditary Cancer Syndrome. Identifiers: Orphanet 140162, MedGen C0027672, MeSH D009386, MONDO:0015356.
Fanconi anemia complementation group J. Also called: BRIP1-Related Fanconi Anemia. Identifiers: Orphanet 84, MedGen C1836860, MONDO:0012187, OMIM 609054.
Familial cancer of breast. Also called: BREAST CANCER, FAMILIAL; hereditary breast carcinoma; Hereditary breast cancer. Identifiers: Orphanet 227535, MedGen C0346153, MONDO:0016419, OMIM 114480. Disease mechanism: loss of function.

Allele frequency attached by ClinVar (database versions not stated): gnomAD exomes below 0.00001.
gnomAD v4.1: 3 of 1,609,164 alleles (0.00019%); highest among the groups gnomAD compares: South Asian, 0.0011%; no homozygotes.

Submissions (4):

Labcorp Genetics (formerly Invitae), Labcorp
Classification: Uncertain significance for Familial cancer of breast; Fanconi anemia complementation group J. Last evaluated: 2025-09-20. Review status: criteria provided, single submitter. Criteria: Invitae Variant Classification Sherloc (09022015). Collection method: clinical testing. Allele origin: germline.
Comment: This sequence change replaces glutamic acid, which is acidic and polar, with lysine, which is basic and polar, at codon 967 of the BRIP1 protein (p.Glu967Lys). This variant is present in population databases (no rsID available, gnomAD 0.0009%). This variant has not been reported in the literature in individuals affected with BRIP1-related conditions. ClinVar contains an entry for this variant (Variation ID: 530287). Invitae Evidence Modeling of protein sequence and biophysical properties (such as structural, functional, and spatial information, amino acid conservation, physicochemical variation, residue mobility, and thermodynamic stability) indicates that this missense variant is not expected to disrupt BRIP1 protein function with a negative predictive value of 95%. In summary, the available evidence is currently insufficient to determine the role of this variant in disease. Therefore, it has been classified as a Variant of Uncertain Significance.

Ambry Genetics
Classification: Uncertain significance for Hereditary cancer-predisposing syndrome. Last evaluated: 2024-09-01. Review status: criteria provided, single submitter. Criteria: Ambry Variant Classification Scheme 2023. Collection method: clinical testing. Allele origin: germline.
Comment: The p.E967K variant (also known as c.2899G>A), located in coding exon 18 of the BRIP1 gene, results from a G to A substitution at nucleotide position 2899. The glutamic acid at codon 967 is replaced by lysine, an amino acid with similar properties. This amino acid position is conserved. In addition, this alteration is predicted to be tolerated by in silico analysis. Since supporting evidence is limited at this time, the clinical significance of this alteration remains unclear.

Color Diagnostics, LLC DBA Color Health
Classification: Uncertain significance for Hereditary cancer-predisposing syndrome. Last evaluated: 2024-02-20. Review status: criteria provided, single submitter. Criteria: ACMG Guidelines, 2015. Collection method: clinical testing. Allele origin: germline.
Comment: This missense variant replaces glutamic acid with lysine at codon 967 of the BRIP1 protein. Computational prediction suggests that this variant may not impact protein structure and function. To our knowledge, functional studies have not been reported for this variant. This variant has not been reported in individuals affected with BRIP1-related disorders in the literature. This variant has been identified in 1/249678 chromosomes in the general population by the Genome Aggregation Database (gnomAD). The available evidence is insufficient to determine the role of this variant in disease conclusively. Therefore, this variant is classified as a Variant of Uncertain Significance.

Baylor Genetics
Classification: Uncertain significance for Familial cancer of breast. Last evaluated: 2023-11-19. Review status: criteria provided, single submitter. Criteria: ACMG Guidelines, 2015. Collection method: clinical testing. Allele origin: unknown.